The following is an entry in ClinVar:

ClinVar aggregate classification (germline): Uncertain significance (0 of 4 stars; one submission).

Conditions:
PCNT-related disorder. Also called: PCNT-related condition.

Allele frequency attached by ClinVar (database versions not stated): ExAC 0.00001; gnomAD 0.00001; gnomAD exomes 0.00001; TOPMed 0.00001; ESP Exome Variant Server 0.00008.
gnomAD v4.1: 17 of 1,608,804 alleles (0.0011%); highest among the groups gnomAD compares: Non-Finnish European, 0.0014%; no homozygotes.

Submission:

PreventionGenetics, part of Exact Sciences
Classification: Uncertain significance for PCNT-related condition. Last evaluated: 2024-02-08. Review status: no assertion criteria provided. Collection method: clinical testing. Allele origin: germline.
Comment: The PCNT c.1367A>G variant is predicted to result in the amino acid substitution p.Tyr456Cys. To our knowledge, this variant has not been reported in the literature. This variant is reported in 0.0018% of alleles in individuals of European (Non-Finnish) descent in gnomAD. At this time, the clinical significance of this variant is uncertain due to the absence of conclusive functional and genetic evidence.

NM_006031.6(PCNT):c.1367A>G (p.Tyr456Cys)

Gene: PCNT (pericentrin; plus strand). Cytogenetic location: 21q22.3.
Variant type: single nucleotide variant.
Coding change: c.1367A>G on transcript NM_006031.6 (MANE Select); coding-DNA position 1367, A replaced by G.
Protein change: p.Tyr456Cys; replaces tyrosine 456 with cysteine.
Molecular consequence: missense variant.
Genome position (GRCh38, 1-based): chr21:46,351,451, A>G. VCF-style: chr21-46351451-A-G. GRCh37 (hg19) VCF-style: chr21-47771365-A-G.
Other names: c.1013A>G, p.Tyr338Cys (NM_001315529.2); short protein forms Y338C, Y456C.
Identifiers: ClinVar variation 3049913 (VCV003049913.2), dbSNP rs373400283, ClinGen allele CA10078597.
Genomic context (GRCh38, chr21:46,351,451, plus strand): 5'-CTCATTAGGGTTTCACCTGGACACTTTGCTTTTTCCAGTTAGAGAATCTTCAAGCATCAT[A>G]TGAAGACCTGAAGGCACAATCACAAGAAGAGATCAGGCGCTTGTGGTCCCAGCTTGATTC-3'
Protein context (NP_006022.3, residues 446-466): QLELENLQAS[Tyr456Cys]EDLKAQSQEE